The following is an entry in ClinVar:

ClinVar aggregate classification (germline): Likely benign. Review status: criteria provided, multiple submitters, no conflicts (2 of 4 stars). 4 submissions from 4 submitters: Likely benign (3). 1 of the submissions does not count toward it. Last evaluated 2025-11-02.

Conditions:
Rubinstein-Taybi syndrome (RSTS). Identifiers: Orphanet 783, MedGen C0035934, MONDO:0019188.
CREBBP-related disorder. Also called: CREBBP-related condition; CREBBP-related disorders.

Allele frequency attached by ClinVar (database versions not stated): gnomAD 0.00006; ExAC 0.00007; gnomAD exomes 0.00011; TOPMed 0.00014; ESP Exome Variant Server 0.00015.
gnomAD v4.1: 150 of 1,614,084 alleles (0.0093%); highest among the groups gnomAD compares: South Asian, 0.022%; no homozygotes.

Submissions (4):

Labcorp Genetics (formerly Invitae), Labcorp
Classification: Likely benign for Rubinstein-Taybi syndrome. Last evaluated: 2025-11-02. Review status: criteria provided, single submitter. Criteria: Invitae Variant Classification Sherloc (09022015). Collection method: clinical testing. Allele origin: germline.

CeGaT Center for Human Genetics Tuebingen
Classification: Likely benign. Last evaluated: 2024-12-01. Review status: criteria provided, single submitter. Criteria: CeGaT Center For Human Genetics Tuebingen Variant Classification Criteria Version 2. Collection method: clinical testing. Allele origin: germline. Affected: yes. Observed: 1 variant allele.
Comment: CREBBP: BP4

Blueprint Genetics
Classification: Likely benign. Last evaluated: 2024-03-21. Review status: criteria provided, single submitter. Criteria: ACMG Guidelines, 2015. Collection method: clinical testing. Allele origin: germline.

PreventionGenetics, part of Exact Sciences
Classification: Likely benign for CREBBP-related condition. Last evaluated: 2021-07-23. Review status: no assertion criteria provided. Collection method: clinical testing. Allele origin: germline. Not counted in ClinVar's aggregate classification.
Comment: This variant is classified as likely benign based on ACMG/AMP sequence variant interpretation guidelines (Richards et al. 2015 PMID: 25741868, with internal and published modifications).

NM_004380.3(CREBBP):c.4560+6C>T

Gene: CREBBP (CREB binding lysine acetyltransferase; minus strand). Cytogenetic location: 16p13.3.
Variant type: single nucleotide variant.
Coding change: c.4560+6C>T on transcript NM_004380.3 (MANE Select); 6 bases into the intron after coding-DNA position 4560, C replaced by T.
Molecular consequence: intron variant.
Genome position (GRCh38, 1-based): chr16:3,736,644, G>A on the plus strand (C>T on the coding strand, the complement: CREBBP is on the minus strand). VCF-style: chr16-3736644-G-A. GRCh37 (hg19) VCF-style: chr16-3786645-G-A.
Other names: c.4446+6C>T (NM_001079846.1).
Identifiers: ClinVar variation 703231 (VCV000703231.27), dbSNP rs369973805, ClinGen allele CA7869509.